The following is an entry in ClinVar:

ClinVar aggregate classification (germline): Uncertain significance (1 of 4 stars; one submission).

Conditions:
Charcot-Marie-Tooth disease type 2. Also called: Charcot-Marie-Tooth type 2. Identifiers: Orphanet 64746, MedGen C0270914, MONDO:0018993.

Allele frequency attached by ClinVar (database versions not stated): gnomAD 0.00003 and 0.00002; ESP Exome Variant Server 0.00008; TOPMed 0.00003; ExAC 0.00001; 1000 Genomes Project 0.00020; 1000 Genomes Project 30x 0.00031.
gnomAD v4.1: 13 of 1,614,132 alleles (0.00081%); highest among the groups gnomAD compares: Middle Eastern, 0.017%; no homozygotes.

Submission:

Labcorp Genetics (formerly Invitae), Labcorp
Classification: Uncertain significance for Charcot-Marie-Tooth disease type 2. Last evaluated: 2021-08-30. Review status: criteria provided, single submitter. Criteria: Invitae Variant Classification Sherloc (09022015). Collection method: clinical testing. Allele origin: germline.
Comment: This sequence change replaces asparagine with lysine at codon 438 of the MED25 protein (p.Asn438Lys). The asparagine residue is highly conserved and there is a moderate physicochemical difference between asparagine and lysine. This variant is present in population databases (rs149030211, ExAC 0.002%). This variant has not been reported in the literature in individuals affected with MED25-related conditions. Algorithms developed to predict the effect of missense changes on protein structure and function are either unavailable or do not agree on the potential impact of this missense change (SIFT: "Deleterious"; PolyPhen-2: "Benign"; Align-GVGD: "Class C15"). In summary, the available evidence is currently insufficient to determine the role of this variant in disease. Therefore, it has been classified as a Variant of Uncertain Significance.

NM_030973.4(MED25):c.1314C>G (p.Asn438Lys)

Genes: MED25 (mediator complex subunit 25; plus strand), MIR6800 (microRNA 6800; plus strand). Cytogenetic location: 19q13.33.
Variant type: single nucleotide variant.
Coding change: c.1314C>G on transcript NM_030973.4 (MANE Select); coding-DNA position 1314, C replaced by G.
Protein change: p.Asn438Lys; replaces asparagine 438 with lysine.
Molecular consequence: missense variant. On other transcripts: non-coding transcript variant (1).
Genome position (GRCh38, 1-based): chr19:49,832,019, C>G. VCF-style: chr19-49832019-C-G. GRCh37 (hg19) VCF-style: chr19-50335276-C-G.
Other names: c.1314C>G, p.Asn438Lys (NM_001378355.1); short protein forms N438K.
Identifiers: ClinVar variation 658924 (VCV000658924.6), dbSNP rs149030211, ClinGen allele CA9585216.